The following is an entry in ClinVar:

NM_001197104.2(KMT2A):c.9916C>G (p.Pro3306Ala)

Gene: KMT2A (lysine methyltransferase 2A; plus strand). Cytogenetic location: 11q23.3.
Variant type: single nucleotide variant.
Coding change: c.9916C>G on transcript NM_001197104.2 (MANE Select); coding-DNA position 9916, C replaced by G.
Protein change: p.Pro3306Ala; replaces proline 3306 with alanine.
Molecular consequence: missense variant.
Genome position (GRCh38, 1-based): chr11:118,505,808, C>G. VCF-style: chr11-118505808-C-G. GRCh37 (hg19) VCF-style: chr11-118376523-C-G.
Other names: c.10006C>G, p.Pro3336Ala (NM_001412597.1); c.9907C>G, p.Pro3303Ala (NM_005933.4); short protein forms P3306A, P3336A, P3303A.
Identifiers: ClinVar variation 2098925 (VCV002098925.4), dbSNP rs782682980, ClinGen allele CA382822243.
Genomic context (GRCh38, chr11:118,505,808, plus strand): 5'-CCCAACATCATAAAAAGATCTAAATCTAGCATCATGTATTTTGAACCGGCACCCCTGTTA[C>G]CACAGAGTGTGGGAGGAACTGCTGCCACAGCGGCAGGCACATCAACAATAAGCCAGGATA-3'
Protein context (NP_001184033.1, residues 3296-3316): IMYFEPAPLL[Pro3306Ala]QSVGGTAATA

ClinVar aggregate classification (germline): Uncertain significance (1 of 4 stars; one submission).

gnomAD v4.1: 2 of 1,614,030 alleles (0.00012%); highest among the groups gnomAD compares: African/African-American, 0.0027%; no homozygotes.

Submission:

Labcorp Genetics (formerly Invitae), Labcorp
Classification: Uncertain significance. Last evaluated: 2022-10-07. Review status: criteria provided, single submitter. Criteria: Invitae Variant Classification Sherloc (09022015). Collection method: clinical testing. Allele origin: germline.
Comment: This sequence change replaces proline, which is neutral and non-polar, with alanine, which is neutral and non-polar, at codon 3306 of the KMT2A protein (p.Pro3306Ala). This variant is not present in population databases (gnomAD no frequency). This variant has not been reported in the literature in individuals affected with KMT2A-related conditions. Advanced modeling of protein sequence and biophysical properties (such as structural, functional, and spatial information, amino acid conservation, physicochemical variation, residue mobility, and thermodynamic stability) performed at Invitae indicates that this missense variant is not expected to disrupt KMT2A protein function. In summary, the available evidence is currently insufficient to determine the role of this variant in disease. Therefore, it has been classified as a Variant of Uncertain Significance.